The following is an entry in ClinVar:

ClinVar aggregate classification (germline): Uncertain significance (1 of 4 stars; one submission).

Conditions:
Hereditary cancer-predisposing syndrome. Also called: Hereditary neoplastic syndrome; Tumor predisposition; Hereditary Cancer Syndrome; Neoplastic Syndromes, Hereditary. Identifiers: Orphanet 140162, MedGen C0027672, MeSH D009386, MONDO:0015356.

Submission:

Ambry Genetics
Classification: Uncertain significance for Hereditary cancer-predisposing syndrome. Last evaluated: 2023-09-07. Review status: criteria provided, single submitter. Criteria: Ambry Variant Classification Scheme 2023. Collection method: clinical testing. Allele origin: germline.
Comment: The p.E130G variant (also known as c.389A>G), located in coding exon 3 of the SUFU gene, results from an A to G substitution at nucleotide position 389. The glutamic acid at codon 130 is replaced by glycine, an amino acid with similar properties. This amino acid position is conserved. In addition, this alteration is predicted to be deleterious by in silico analysis. Since supporting evidence is limited at this time, the clinical significance of this alteration remains unclear.

NM_016169.4(SUFU):c.389A>G (p.Glu130Gly)

Gene: SUFU (SUFU negative regulator of hedgehog signaling; plus strand). Cytogenetic location: 10q24.32.
Variant type: single nucleotide variant.
Coding change: c.389A>G on transcript NM_016169.4 (MANE Select); coding-DNA position 389, A replaced by G.
Protein change: p.Glu130Gly; replaces glutamic acid 130 with glycine.
Molecular consequence: missense variant.
Genome position (GRCh38, 1-based): chr10:102,550,041, A>G. VCF-style: chr10-102550041-A-G. GRCh37 (hg19) VCF-style: chr10-104309798-A-G.
Other names: c.389A>G, p.Glu130Gly (NM_001178133.2); short protein forms E130G.
Identifiers: ClinVar variation 2586926 (VCV002586926.2), dbSNP rs2544969489, ClinGen allele CA377903386.